The following is an entry in ClinVar:

ClinVar aggregate classification (germline): Conflicting classifications of pathogenicity. Review status: criteria provided, conflicting classifications (1 of 4 stars). 3 submissions from 3 submitters: Uncertain significance (1); Likely benign (2). Last evaluated 2025-06-26.

Conditions:
Stickler syndrome type 2 (STL2). Also called: STICKLER SYNDROME, TYPE II; COL11A1-Related Stickler Syndrome; STICKLER SYNDROME, BEADED VITREOUS TYPE; STICKLER SYNDROME, VITREOUS TYPE 2. Identifiers: Orphanet 828, Orphanet 90654, MedGen C1858084, MONDO:0011493, OMIM 604841.

Allele frequency attached by ClinVar (database versions not stated): gnomAD exomes 0.00002; gnomAD 0.00003 and 0.00004; TOPMed 0.00003; ExAC 0.00004; ESP Exome Variant Server 0.00008.
gnomAD v4.1: 20 of 1,613,436 alleles (0.0012%); highest among the groups gnomAD compares: East Asian, 0.0022%; no homozygotes.

Submissions (3):

Labcorp Genetics (formerly Invitae), Labcorp
Classification: Likely benign. Last evaluated: 2025-06-26. Review status: criteria provided, single submitter. Criteria: Invitae Variant Classification Sherloc (09022015). Collection method: clinical testing. Allele origin: germline.

Genomic Medicine Center of Excellence, King Faisal Specialist Hospital and Research Centre
Classification: Likely benign for Stickler syndrome type 2. Last evaluated: 2024-03-29. Review status: criteria provided, single submitter. Criteria: ACMG Guidelines, 2015. Collection method: clinical testing. Allele origin: germline.

GeneDx
Classification: Uncertain significance. Last evaluated: 2024-03-20. Review status: criteria provided, single submitter. Criteria: GeneDx Variant Classification Process June 2021. Collection method: clinical testing. Allele origin: germline. Affected: yes.
Comment: Observed de novo in a fetus with cardiac defect in published literature (PMID: 31949757); In silico analysis supports that this missense variant has a deleterious effect on protein structure/function; This variant is associated with the following publications: (PMID: 31949757)

NM_001854.4(COL11A1):c.3230C>T (p.Pro1077Leu)

Gene: COL11A1 (collagen type XI alpha 1 chain; minus strand). Cytogenetic location: 1p21.1.
Variant type: single nucleotide variant.
Coding change: c.3230C>T on transcript NM_001854.4 (MANE Select); coding-DNA position 3230, C replaced by T.
Protein change: p.Pro1077Leu; replaces proline 1077 with leucine.
Molecular consequence: missense variant. On other transcripts: non-coding transcript variant (1).
Genome position (GRCh38, 1-based): chr1:102,946,895, G>A on the plus strand (C>T on the coding strand, the complement: COL11A1 is on the minus strand). VCF-style: chr1-102946895-G-A. GRCh37 (hg19) VCF-style: chr1-103412451-G-A.
Other names: c.3113C>T, p.Pro1038Leu (NM_001190709.2); c.3266C>T, p.Pro1089Leu (NM_080629.3); c.2882C>T, p.Pro961Leu (NM_080630.4); c.3230C>T (NM_001854.3); short protein forms P1077L, P961L, P1038L, P1089L.
Identifiers: ClinVar variation 1424272 (VCV001424272.10), dbSNP rs373734529, ClinGen allele CA974091.
Genomic context (GRCh38, chr1:102,946,895, plus strand): 5'-TAGACATTACTTACAGGAGCACCTTTCTCTCCAGCTGGACCAGGAGGACCCTGAGGTCCC[G>A]GGCGCCCTGGTAAACCAATTGGGCCAGCTGTACCTGCTGACCCACGTTCTCCTGGTGAGC-3'
Protein context (NP_001845.3, residues 1067-1087): TAGPIGLPGR[Pro1077Leu]GPQGPPGPAG